The following is an entry in ClinVar:

NM_021224.6(ZNF462):c.3625C>T (p.Leu1209Phe)

Gene: ZNF462 (zinc finger protein 462; plus strand). Cytogenetic location: 9q31.2.
Variant type: single nucleotide variant.
Coding change: c.3625C>T on transcript NM_021224.6 (MANE Select); coding-DNA position 3625, C replaced by T.
Protein change: p.Leu1209Phe; replaces leucine 1209 with phenylalanine.
Molecular consequence: missense variant. On other transcripts: intron variant (1).
Genome position (GRCh38, 1-based): chr9:106,927,537, C>T. VCF-style: chr9-106927537-C-T. GRCh37 (hg19) VCF-style: chr9-109689818-C-T.
Other names: c.3252+373C>T (NM_001347997.2); short protein forms L1209F.
Identifiers: ClinVar variation 3361422 (VCV003361422.1).

ClinVar aggregate classification (germline): Uncertain significance (1 of 4 stars; one submission).

gnomAD v4.1: 1 of 1,613,852 alleles (0.000062%); highest among the groups gnomAD compares: Non-Finnish European, 0.000085%; no homozygotes.

Submission:

GeneDx
Classification: Uncertain significance. Last evaluated: 2023-07-24. Review status: criteria provided, single submitter. Criteria: GeneDx Variant Classification Process June 2021. Collection method: clinical testing. Allele origin: germline. Affected: yes.
Comment: Not observed at significant frequency in large population cohorts (gnomAD); In silico analysis supports that this missense variant does not alter protein structure/function; Has not been previously published as pathogenic or benign to our knowledge